The following is an entry in ClinVar:

ClinVar aggregate classification (germline): Uncertain significance. Review status: criteria provided, multiple submitters, no conflicts (2 of 4 stars). 3 submissions from 3 submitters: Uncertain significance (3). Last evaluated 2024-06-03.

Conditions:
Polycystic liver disease 2 (PCLD2). Also called: Polycystic liver disease 2 with or without kidney cysts. Identifiers: Orphanet 2924, MedGen C4310769, MONDO:0014860, OMIM 617004.

Allele frequency attached by ClinVar (database versions not stated): gnomAD 0.00001; gnomAD exomes 0.00001; TOPMed 0.00001; 1000 Genomes Project 30x 0.00016; 1000 Genomes Project 0.00020.
gnomAD v4.1: 11 of 1,602,794 alleles (0.00069%); highest among the groups gnomAD compares: East Asian, 0.013%; no homozygotes.

Submissions (3):

Labcorp Genetics (formerly Invitae), Labcorp
Classification: Uncertain significance. Last evaluated: 2024-06-03. Review status: criteria provided, single submitter. Criteria: Invitae Variant Classification Sherloc (09022015). Collection method: clinical testing. Allele origin: germline.
Comment: This sequence change replaces phenylalanine, which is neutral and non-polar, with leucine, which is neutral and non-polar, at codon 88 of the SEC63 protein (p.Phe88Leu). This variant is present in population databases (rs573990603, gnomAD 0.01%). This variant has not been reported in the literature in individuals affected with SEC63-related conditions. ClinVar contains an entry for this variant (Variation ID: 1943533). An algorithm developed to predict the effect of missense changes on protein structure and function (PolyPhen-2) suggests that this variant is likely to be tolerated. In summary, the available evidence is currently insufficient to determine the role of this variant in disease. Therefore, it has been classified as a Variant of Uncertain Significance.

Fulgent Genetics
Classification: Uncertain significance for Polycystic liver disease 2. Last evaluated: 2024-05-17. Review status: criteria provided, single submitter. Criteria: ACMG Guidelines, 2015. Collection method: clinical testing. Allele origin: germline.

Clinical Genomics Laboratory, Stanford Medicine
Classification: Uncertain significance for Polycystic liver disease 2. Last evaluated: 2023-03-30. Review status: criteria provided, single submitter. Criteria: ACMG Guidelines, 2015. Collection method: clinical testing. Allele origin: germline. Observed: 1 variant allele, 1 heterozygote.

NM_007214.5(SEC63):c.262T>C (p.Phe88Leu)

Gene: SEC63 (SEC63 protein translocation regulator; minus strand). Cytogenetic location: 6q21.
Variant type: single nucleotide variant.
Coding change: c.262T>C on transcript NM_007214.5 (MANE Select); coding-DNA position 262, T replaced by C.
Protein change: p.Phe88Leu; replaces phenylalanine 88 with leucine.
Molecular consequence: missense variant.
Genome position (GRCh38, 1-based): chr6:107,924,895, A>G on the plus strand (T>C on the coding strand, the complement: SEC63 is on the minus strand). VCF-style: chr6-107924895-A-G. GRCh37 (hg19) VCF-style: chr6-108246099-A-G.
Other names: short protein forms F88L.
Identifiers: ClinVar variation 1943533 (VCV001943533.7), dbSNP rs573990603, ClinGen allele CA145051169.